The following is an entry in ClinVar:

ClinVar aggregate classification (germline): Uncertain significance. Review status: criteria provided, multiple submitters, no conflicts (2 of 4 stars). 2 submissions from 2 submitters: Uncertain significance (2). Last evaluated 2024-04-12.

Conditions:
Tuberous sclerosis 2 (TSC2). Identifiers: Orphanet 805, MedGen C1860707, MONDO:0013199, OMIM 613254.
Hereditary cancer-predisposing syndrome. Also called: Hereditary neoplastic syndrome; Neoplastic Syndromes, Hereditary; Tumor predisposition; Hereditary Cancer Syndrome. Identifiers: Orphanet 140162, MedGen C0027672, MeSH D009386, MONDO:0015356.

Submissions (2):

Ambry Genetics
Classification: Uncertain significance for Hereditary cancer-predisposing syndrome. Last evaluated: 2024-04-12. Review status: criteria provided, single submitter. Criteria: Ambry Variant Classification Scheme 2023. Collection method: clinical testing. Allele origin: germline.
Comment: The c.5389_5391dupATC variant (also known as p.I1797dup), located in coding exon 41 of the TSC2 gene, results from an in-frame duplication of ATC at nucleotide positions 5389 to 5391. This results in the duplication of an extra residue between codons 1797 and 1798. This amino acid position is not well conserved in available vertebrate species. In addition, the in silico prediction for this alteration is inconclusive (Choi Y et al. PLoS ONE. 2012; 7(10):e46688). Based on the available evidence, the clinical significance of this variant remains unclear.

Labcorp Genetics (formerly Invitae), Labcorp
Classification: Uncertain significance for Tuberous sclerosis 2. Last evaluated: 2022-01-15. Review status: criteria provided, single submitter. Criteria: Invitae Variant Classification Sherloc (09022015). Collection method: clinical testing. Allele origin: germline.
Comment: This variant, c.5389_5391dup, results in the insertion of 1 amino acid(s) of the TSC2 protein (p.Ile1797dup), but otherwise preserves the integrity of the reading frame. This variant is not present in population databases (gnomAD no frequency). This variant has not been reported in the literature in individuals affected with TSC2-related conditions. In summary, the available evidence is currently insufficient to determine the role of this variant in disease. Therefore, it has been classified as a Variant of Uncertain Significance.

NM_000548.5(TSC2):c.5389_5391dup (p.Ile1797_Ser1798insIle)

Gene: TSC2 (TSC complex subunit 2; plus strand). Cytogenetic location: 16p13.3.
Variant type: Duplication.
Coding change: c.5389_5391dup on transcript NM_000548.5 (MANE Select); coding-DNA positions 5389 to 5391, 3 bases duplicated (ATC; older notation c.5389_5391dupATC).
Protein change: p.Ile1797_Ser1798insIle.
Molecular consequence: inframe insertion. On other transcripts: inframe indel (32).
Genome position (GRCh38, 1-based): chr16:2,088,575-2,088,577, ATC duplicated; duplicating any 3 consecutive bases within chr16:2,088,573-2,088,577 gives the same sequence; the c. name uses the placement nearest the transcript's 3' end. VCF-style (leftmost placement, unchanged base first): chr16-2088572-C-CTCA. GRCh37 (hg19) VCF-style: chr16-2138573-C-CTCA.
Other names: c.5389_5391dupATC (NM_000548.3); c.5188_5190dup, p.Ile1730_Ser1731insIle (NM_001077183.3); c.5320_5322dup, p.Ile1774_Ser1775insIle (NM_001114382.3); c.5080_5082dup, p.Ile1694_Ser1695insIle (NM_001318827.2); c.5044_5046dup, p.Ile1682_Ser1683insIle (NM_001318829.2); c.4657_4659dup, p.Ile1553_Ser1554insIle (NM_001318831.2); c.5221_5223dup, p.Ile1741_Ser1742insIle (NM_001318832.2); c.5191_5193dup, p.Ile1731_Ser1732insIle (NM_001363528.2); and 28 more.
Identifiers: ClinVar variation 1977864 (VCV001977864.3), dbSNP rs2544519186, ClinGen allele CA2580091208.